The following is an entry in ClinVar:

ClinVar aggregate classification (germline): Uncertain significance. Review status: criteria provided, multiple submitters, no conflicts (2 of 4 stars). 2 submissions from 2 submitters: Uncertain significance (2). Last evaluated 2025-03-24.

Conditions:
Chédiak-Higashi syndrome (CHS). Also called: Chediak-Higashi Syndrome. Identifiers: Orphanet 167, MedGen C0007965, MONDO:0008963, OMIM 214500.
Inborn genetic diseases. Identifiers: MedGen C0950123, MeSH D030342.

Allele frequency attached by ClinVar (database versions not stated): gnomAD exomes below 0.00001; TOPMed 0.00001.
gnomAD v4.1: 2 of 1,614,176 alleles (0.00012%); highest among the groups gnomAD compares: Non-Finnish European, 0.00017%; no homozygotes.

Submissions (2):

Ambry Genetics
Classification: Uncertain significance for Inborn genetic diseases. Last evaluated: 2025-03-24. Review status: criteria provided, single submitter. Criteria: Ambry Variant Classification Scheme 2023. Collection method: clinical testing. Allele origin: germline.

Labcorp Genetics (formerly Invitae), Labcorp
Classification: Uncertain significance for Chédiak-Higashi syndrome. Last evaluated: 2022-08-22. Review status: criteria provided, single submitter. Criteria: Invitae Variant Classification Sherloc (09022015). Collection method: clinical testing. Allele origin: germline.
Comment: This sequence change replaces arginine, which is basic and polar, with serine, which is neutral and polar, at codon 2212 of the LYST protein (p.Arg2212Ser). This variant is present in population databases (no rsID available, gnomAD 0.0009%). This variant has not been reported in the literature in individuals affected with LYST-related conditions. ClinVar contains an entry for this variant (Variation ID: 1378583). Algorithms developed to predict the effect of missense changes on protein structure and function are either unavailable or do not agree on the potential impact of this missense change (SIFT: "Deleterious"; PolyPhen-2: "Benign"; Align-GVGD: "Class C0"). In summary, the available evidence is currently insufficient to determine the role of this variant in disease. Therefore, it has been classified as a Variant of Uncertain Significance.

NM_000081.4(LYST):c.6636G>C (p.Arg2212Ser)

Gene: LYST (lysosomal trafficking regulator; minus strand). Cytogenetic location: 1q42.3.
Variant type: single nucleotide variant.
Coding change: c.6636G>C on transcript NM_000081.4 (MANE Select); coding-DNA position 6636, G replaced by C.
Protein change: p.Arg2212Ser; replaces arginine 2212 with serine.
Molecular consequence: missense variant.
Genome position (GRCh38, 1-based): chr1:235,759,217, C>G on the plus strand (G>C on the coding strand, the complement: LYST is on the minus strand). VCF-style: chr1-235759217-C-G. GRCh37 (hg19) VCF-style: chr1-235922517-C-G.
Other names: c.6636G>C, p.Arg2212Ser (NM_001301365.1); c.6636G>C (NM_000081.2); short protein forms R2212S.
Identifiers: ClinVar variation 1378583 (VCV001378583.4), dbSNP rs1460793252, ClinGen allele CA344940150.